The following is an entry in ClinVar:

NM_000350.3(ABCA4):c.5657G>A (p.Gly1886Glu)

Gene: ABCA4 (ATP binding cassette subfamily A member 4; minus strand). Cytogenetic location: 1p22.1.
Variant type: single nucleotide variant.
Coding change: c.5657G>A on transcript NM_000350.3 (MANE Select); coding-DNA position 5657, G replaced by A.
Protein change: p.Gly1886Glu; replaces glycine 1886 with glutamic acid.
Molecular consequence: missense variant.
Genome position (GRCh38, 1-based): chr1:94,010,857, C>T on the plus strand (G>A on the coding strand, the complement: ABCA4 is on the minus strand). VCF-style: chr1-94010857-C-T. GRCh37 (hg19) VCF-style: chr1-94476413-C-T.
Other names: NM_000350.3(ABCA4):c.5657G>A; c.5435G>A, p.Gly1812Glu (NM_001425324.1); short protein forms G1886E, G1812E.
Identifiers: ClinVar variation 99394 (VCV000099394.5), dbSNP rs62642579, ClinGen allele CA227329.

ClinVar aggregate classification (germline): Likely pathogenic. Review status: reviewed by expert panel (3 of 4 stars). 4 submissions from 4 submitters: Likely pathogenic (1). 3 of the submissions do not count toward it. Last evaluated 2025-10-28.

Conditions:
ABCA4-related retinopathy. Also called: ABCA4-related retinoapthy; ABCA4 retinoapthy. Identifiers: MedGen CN322612, MONDO:0800406.
ABCA4-related disorder. Also called: ABCA4-related disorders; ABCA4-related condition. Identifiers: MedGen CN239167.

Allele frequency attached by ClinVar (database versions not stated): TOPMed below 0.00001; gnomAD 0.00001.
gnomAD v4.1: 3 of 1,613,990 alleles (0.00019%); highest among the groups gnomAD compares: African/African-American, 0.0013%; no homozygotes.

Submissions (4):

ClinGen ABCA4 Variant Curation Expert Panel, Clingen
Classification: Likely pathogenic for ABCA4-related retinopathy. Last evaluated: 2025-10-28. Review status: reviewed by expert panel. Criteria: ClinGen ABCA4 ACMG Specifications V1.0.0. Collection method: curation. Allele origin: germline.
Comment: The NM_000350.3(ABCA4):c.5657G>A variant in ABCA4 is a missense variant predicted to cause substitution of glycine by glutamic acid at amino acid 1886 (p.Gly1886Glu). The total minor allele frequency in gnomAD v4.1.0 is 0.000001859 (3/1613990 alleles), which is lower than the ClinGen ABCA4 VCEP’s threshold for PM2_Supporting (<0.0001). The computational predictor REVEL gives a score of 0.907 which is above the threshold of >0.772, evidence that predicts a damaging effect on ABCA4 function (PP3_Moderate). This variant has been detected in at least two individuals with ABCA4-related retinopathy. Of those individuals, one was compound heterozygous for the variant and a pathogenic variant confirmed in trans by segregation analysis (PM3_Moderate; PMID: 16303926). Another missense variant, c.5656G>A; p.Gly1886Arg (PMID:28118664, ClinVar Variation ID 236137), in the same codon has been classified as likely pathogenic for ABCA4-related retinopathy by the ClinGen ABCA4 VCEP (PM5_Supporting). Immunoblotting and azido-ATP labelling on recombinant on Gly1886Glu showed G1886E produced greatly reduced amounts of ABCA4 protein compared to wildtype (PMID: 11017087, PS3_Supporting). In summary, this variant meets the criteria to be classified as likely pathogenic for ABCA4-related retinopathy based on the ACMG/AMP criteria applied, as specified by the ClinGen ABCA4 VCEP (Specification Version 1.0.0): PM2_Supporting, PP3_Moderate, PM3, PM5_Supporting, PS3_Supporting.

Labcorp Genetics (formerly Invitae), Labcorp
Classification: Likely pathogenic. Last evaluated: 2025-06-01. Review status: criteria provided, single submitter. Criteria: Invitae Variant Classification Sherloc (09022015). Collection method: clinical testing. Allele origin: germline. Not counted in ClinVar's aggregate classification.
Comment: This sequence change replaces glycine, which is neutral and non-polar, with glutamic acid, which is acidic and polar, at codon 1886 of the ABCA4 protein (p.Gly1886Glu). This variant is present in population databases (rs62642579, gnomAD 0.007%). This missense change has been observed in individual(s) with Stargardt Disease (PMID: 28559085). ClinVar contains an entry for this variant (Variation ID: 99394). Invitae Evidence Modeling of protein sequence and biophysical properties (such as structural, functional, and spatial information, amino acid conservation, physicochemical variation, residue mobility, and thermodynamic stability) indicates that this missense variant is expected to disrupt ABCA4 protein function with a positive predictive value of 95%. Experimental studies have shown that this missense change affects ABCA4 function (PMID: 11017087). This variant disrupts the p.Gly1886 amino acid residue in ABCA4. Other variant(s) that disrupt this residue have been observed in individuals with ABCA4-related conditions (PMID: 28118664, 28559085), which suggests that this may be a clinically significant amino acid residue. In summary, the currently available evidence indicates that the variant is pathogenic, but additional data are needed to prove that conclusively. Therefore, this variant has been classified as Likely Pathogenic.

Blueprint Genetics
Classification: Pathogenic for ABCA4-related disorders. Last evaluated: 2018-10-22. Review status: criteria provided, single submitter. Criteria: ACMG Guidelines, 2015. Collection method: clinical testing. Allele origin: germline. Affected: yes. Observed: 5 variant alleles. Not counted in ClinVar's aggregate classification.

Retina International
No classification provided. Review status: no classification provided. Collection method: not provided. Allele origin: not provided. Not counted in ClinVar's aggregate classification.

Literature cited by the submitters: PubMed 11017087 (cited by ClinGen ABCA4 Variant Curation Expert Panel, Clingen and Labcorp Genetics (formerly Invitae), Labcorp); PubMed 28559085 (cited by Labcorp Genetics (formerly Invitae), Labcorp); PubMed 28118664 (cited by Labcorp Genetics (formerly Invitae), Labcorp).